The following is an entry in ClinVar:

ClinVar aggregate classification (germline): Uncertain significance. Review status: criteria provided, multiple submitters, no conflicts (2 of 4 stars). 2 submissions from 2 submitters: Uncertain significance (2). Last evaluated 2025-04-20.

Conditions:
Cardiovascular phenotype. Identifiers: MedGen CN230736.
Anterior segment dysgenesis. Also called: Ocular anterior segment dysgenesis. Identifiers: Orphanet 88632, MedGen C1862839, MONDO:0019503, HP:0007700.
Congenital primary aphakia. Also called: Anterior segment dysgenesis 2, multiple subtypes; ANTERIOR SEGMENT DYSGENESIS 2. Identifiers: Orphanet 83461, MedGen C1853230, MONDO:0012456, OMIM 610256.

Submissions (2):

Labcorp Genetics (formerly Invitae), Labcorp
Classification: Uncertain significance for Anterior segment dysgenesis; Congenital primary aphakia. Last evaluated: 2025-04-20. Review status: criteria provided, single submitter. Criteria: Invitae Variant Classification Sherloc (09022015). Collection method: clinical testing. Allele origin: germline.
Comment: This sequence change replaces lysine, which is basic and polar, with arginine, which is basic and polar, at codon 165 of the FOXE3 protein (p.Lys165Arg). This variant is present in population databases (rs758373749, gnomAD 0.002%). This variant has not been reported in the literature in individuals affected with FOXE3-related conditions. ClinVar contains an entry for this variant (Variation ID: 3516691). Invitae Evidence Modeling of protein sequence and biophysical properties (such as structural, functional, and spatial information, amino acid conservation, physicochemical variation, residue mobility, and thermodynamic stability) indicates that this missense variant is not expected to disrupt FOXE3 protein function with a negative predictive value of 80%. In summary, the available evidence is currently insufficient to determine the role of this variant in disease. Therefore, it has been classified as a Variant of Uncertain Significance.

Ambry Genetics
Classification: Uncertain significance for Cardiovascular phenotype. Last evaluated: 2024-07-07. Review status: criteria provided, single submitter. Criteria: Ambry Variant Classification Scheme 2023. Collection method: clinical testing. Allele origin: germline.
Comment: The p.K165R variant (also known as c.494A>G), located in coding exon 1 of the FOXE3 gene, results from an A to G substitution at nucleotide position 494. The lysine at codon 165 is replaced by arginine, an amino acid with highly similar properties. This amino acid position is conserved. In addition, the in silico prediction for this alteration is inconclusive. Based on the available evidence, the clinical significance of this variant remains unclear.

NM_012186.3(FOXE3):c.494A>G (p.Lys165Arg)

Genes: FOXE3 (forkhead box E3; plus strand), LINC01389 (long independently transcribed non-coding RNA 1389; minus strand). Cytogenetic location: 1p33.
Variant type: single nucleotide variant.
Coding change: c.494A>G on transcript NM_012186.3 (MANE Select); coding-DNA position 494, A replaced by G.
Protein change: p.Lys165Arg; replaces lysine 165 with arginine.
Molecular consequence: missense variant.
Genome position (GRCh38, 1-based): chr1:47,416,809, A>G. VCF-style: chr1-47416809-A-G. GRCh37 (hg19) VCF-style: chr1-47882481-A-G.
Other names: short protein forms K165R.
Identifiers: ClinVar variation 3516691 (VCV003516691.2).